The following is an entry in ClinVar:

ClinVar aggregate classification (germline): Uncertain significance (1 of 4 stars; one submission).

Allele frequency attached by ClinVar (database versions not stated): gnomAD exomes below 0.00001.
gnomAD v4.1: 1 of 1,614,156 alleles (0.000062%); highest among the groups gnomAD compares: Non-Finnish European, 0.000085%; no homozygotes.

Submission:

Labcorp Genetics (formerly Invitae), Labcorp
Classification: Uncertain significance. Last evaluated: 2023-05-15. Review status: criteria provided, single submitter. Criteria: Invitae Variant Classification Sherloc (09022015). Collection method: clinical testing. Allele origin: germline.
Comment: Advanced modeling of protein sequence and biophysical properties (such as structural, functional, and spatial information, amino acid conservation, physicochemical variation, residue mobility, and thermodynamic stability) performed at Invitae indicates that this missense variant is not expected to disrupt TEAD1 protein function. In summary, the available evidence is currently insufficient to determine the role of this variant in disease. Therefore, it has been classified as a Variant of Uncertain Significance. This variant has not been reported in the literature in individuals affected with TEAD1-related conditions. This variant is not present in population databases (gnomAD no frequency). This sequence change replaces histidine, which is basic and polar, with arginine, which is basic and polar, at codon 137 of the TEAD1 protein (p.His137Arg).

NM_021961.6(TEAD1):c.410A>G (p.His137Arg)

Gene: TEAD1 (TEA domain transcription factor 1; plus strand). Cytogenetic location: 11p15.3.
Variant type: single nucleotide variant.
Coding change: c.410A>G on transcript NM_021961.6 (MANE Select); coding-DNA position 410, A replaced by G.
Protein change: p.His137Arg; replaces histidine 137 with arginine.
Molecular consequence: missense variant.
Genome position (GRCh38, 1-based): chr11:12,879,787, A>G. VCF-style: chr11-12879787-A-G. GRCh37 (hg19) VCF-style: chr11-12901334-A-G.
Other names: short protein forms H137R.
Identifiers: ClinVar variation 2781693 (VCV002781693.3), dbSNP rs2494603855, ClinGen allele CA379711880.